The following is an entry in ClinVar:

ClinVar aggregate classification (germline): Likely benign. Review status: criteria provided, multiple submitters, no conflicts (2 of 4 stars). 3 submissions from 3 submitters: Likely benign (3). Last evaluated 2025-12-01.

Conditions:
Epilepsy, familial focal, with variable foci 3 (FFEVF3). Identifiers: MedGen C4310708, MONDO:0014925, OMIM 617118.

Allele frequency attached by ClinVar (database versions not stated): gnomAD 0.00005; TOPMed 0.00008; ExAC 0.00011; gnomAD exomes 0.00012.
gnomAD v4.1: 178 of 1,613,354 alleles (0.011%); highest among the groups gnomAD compares: Admixed American, 0.042%; 1 homozygote.

Submissions (3):

Labcorp Genetics (formerly Invitae), Labcorp
Classification: Likely benign for Epilepsy, familial focal, with variable foci 3. Last evaluated: 2025-12-01. Review status: criteria provided, single submitter. Criteria: Invitae Variant Classification Sherloc (09022015). Collection method: clinical testing. Allele origin: germline.

CeGaT Center for Human Genetics Tuebingen
Classification: Likely benign. Last evaluated: 2025-03-01. Review status: criteria provided, single submitter. Criteria: CeGaT Center For Human Genetics Tuebingen Variant Classification Criteria Version 2. Collection method: clinical testing. Allele origin: germline. Affected: yes. Observed: 1 variant allele.
Comment: NPRL3: BP4

GeneDx
Classification: Likely benign. Last evaluated: 2019-06-26. Review status: criteria provided, single submitter. Criteria: GeneDx Variant Classification Process June 2021. Collection method: clinical testing. Allele origin: germline. Affected: yes.

NM_001077350.3(NPRL3):c.1593C>T (p.Tyr531=)

Gene: NPRL3 (NPR3 like, GATOR1 complex subunit; minus strand). Cytogenetic location: 16p13.3.
Variant type: single nucleotide variant.
Coding change: c.1593C>T on transcript NM_001077350.3 (MANE Select); coding-DNA position 1593, C replaced by T.
Protein change: p.Tyr531=; no amino-acid change (tyrosine 531 retained).
Molecular consequence: synonymous variant.
Genome position (GRCh38, 1-based): chr16:86,822, G>A on the plus strand (C>T on the coding strand, the complement: NPRL3 is on the minus strand). VCF-style: chr16-86822-G-A. GRCh37 (hg19) VCF-style: chr16-136821-G-A.
Other names: c.1056C>T, p.Tyr352= (NM_001039476.3); c.1359C>T, p.Tyr453= (NM_001243247.2); c.1518C>T, p.Tyr506= (NM_001243248.2, NM_001243249.2).
Identifiers: ClinVar variation 542806 (VCV000542806.20), dbSNP rs200669192, ClinGen allele CA7769268.